The following is an entry in ClinVar:

NM_018669.6(WDR4):c.1202A>G (p.Lys401Arg)

Gene: WDR4 (WDR4 tRNA N7-guanosine methyltransferase non-catalytic subunit; minus strand). Cytogenetic location: 21q22.3.
Variant type: single nucleotide variant.
Coding change: c.1202A>G on transcript NM_018669.6 (MANE Select); coding-DNA position 1202, A replaced by G.
Protein change: p.Lys401Arg; replaces lysine 401 with arginine.
Molecular consequence: missense variant. On other transcripts: non-coding transcript variant (1).
Genome position (GRCh38, 1-based): chr21:42,850,086, T>C on the plus strand (A>G on the coding strand, the complement: WDR4 is on the minus strand). VCF-style: chr21-42850086-T-C. GRCh37 (hg19) VCF-style: chr21-44270196-T-C.
Other names: c.1202A>G (NM_018669.4); c.1199A>G, p.Lys400Arg (NM_001260474.2); c.764A>G, p.Lys255Arg (NM_001260475.2, NM_001260476.2, NM_001260477.2 and 1 more transcripts); c.1202A>G, p.Lys401Arg (NM_033661.5); short protein forms K255R, K400R, K401R.
Identifiers: ClinVar variation 1919496 (VCV001919496.4), dbSNP rs758568034, ClinGen allele CA10045749.

ClinVar aggregate classification (germline): Uncertain significance. Review status: criteria provided, multiple submitters, no conflicts (2 of 4 stars). 2 submissions from 2 submitters: Uncertain significance (2). Last evaluated 2025-08-28.

Conditions:
Inborn genetic diseases. Identifiers: MedGen C0950123, MeSH D030342.

Allele frequency attached by ClinVar (database versions not stated): ExAC 0.00001; gnomAD 0.00001; gnomAD exomes 0.00001; TOPMed 0.00004.
gnomAD v4.1: 21 of 1,614,030 alleles (0.0013%); highest among the groups gnomAD compares: Non-Finnish European, 0.0016%; no homozygotes.

Submissions (2):

Ambry Genetics
Classification: Uncertain significance for Inborn genetic diseases. Last evaluated: 2025-08-28. Review status: criteria provided, single submitter. Criteria: Ambry Variant Classification Scheme 2023. Collection method: clinical testing. Allele origin: germline.

Labcorp Genetics (formerly Invitae), Labcorp
Classification: Uncertain significance. Last evaluated: 2022-04-19. Review status: criteria provided, single submitter. Criteria: Invitae Variant Classification Sherloc (09022015). Collection method: clinical testing. Allele origin: germline.
Comment: This sequence change replaces lysine, which is basic and polar, with arginine, which is basic and polar, at codon 401 of the WDR4 protein (p.Lys401Arg). This variant is present in population databases (rs758568034, gnomAD 0.007%). This variant has not been reported in the literature in individuals affected with WDR4-related conditions. Algorithms developed to predict the effect of missense changes on protein structure and function are either unavailable or do not agree on the potential impact of this missense change (SIFT: "Tolerated"; PolyPhen-2: "Probably Damaging"; Align-GVGD: "Class C0"). In summary, the available evidence is currently insufficient to determine the role of this variant in disease. Therefore, it has been classified as a Variant of Uncertain Significance.